The following is an entry in ClinVar:

NC_000002.11:g.(?_29416090)_(29430148_?)del

Gene: ALK (ALK receptor tyrosine kinase; minus strand). Cytogenetic location: 2p23.2.
Variant type: Deletion.
Identifiers: ClinVar variation 1443818 (VCV001443818.7).

ClinVar aggregate classification (germline): Uncertain significance (1 of 4 stars; one submission).

Conditions:
Neuroblastoma, susceptibility to, 3. Also called: ALK-Related Neuroblastic Tumor Susceptibility. Identifiers: Orphanet 635, MedGen C2751681, MONDO:0013083, OMIM 613014.

Submission:

Labcorp Genetics (formerly Invitae), Labcorp
Classification: Uncertain significance for Neuroblastoma, susceptibility to, 3. Last evaluated: 2023-11-07. Review status: criteria provided, single submitter. Criteria: Invitae Variant Classification Sherloc (09022015). Collection method: clinical testing. Allele origin: germline.
Comment: This variant is a gross deletion of the genomic region encompassing exon(s) 26-29 of the ALK gene, which includes the termination codon. This deletion extends beyond the assayed region for this gene and therefore may encompass additional genes. While this deletion is not anticipated to lead to nonsense mediated decay, it is expected to alter mRNA translation or result in a truncated protein product. This variant has not been reported in the literature in individuals affected with ALK-related conditions. In summary, the available evidence is currently insufficient to determine the role of this variant in disease. Therefore, it has been classified as a Variant of Uncertain Significance.